The following is an entry in ClinVar:

NM_052844.4(DYNC2I2):c.1171dup (p.His391fs)

Genes: DYNC2I2 (dynein 2 intermediate chain 2; minus strand), LOC126860772 (CDK7 strongly-dependent group 2 enhancer GRCh37_chr9:131396972-131398171; plus strand). Cytogenetic location: 9q34.11.
Variant type: Duplication.
Coding change: c.1171dup on transcript NM_052844.4 (MANE Select); coding-DNA position 1171, one base duplicated (C; older notation c.1171dupC).
Protein change: p.His391fs; shifts the reading frame from histidine 391.
Molecular consequence: frameshift variant.
Genome position (GRCh38, 1-based): chr9:128,634,732, G duplicated on the plus strand (C on the coding strand, the reverse complement: DYNC2I2 is on the minus strand); the first of 6 consecutive G bases (chr9:128,634,732-128,634,737); duplicating any one gives the same sequence. VCF-style (leftmost placement, unchanged base first): chr9-128634731-T-TG. GRCh37 (hg19) VCF-style: chr9-131397010-T-TG.
Other names: short protein forms H391fs.
Identifiers: ClinVar variation 2899243 (VCV002899243.3), dbSNP rs1860338648, ClinGen allele CA590942041.

ClinVar aggregate classification (germline): Pathogenic (1 of 4 stars; one submission).

Conditions:
Short-rib thoracic dysplasia 11 with or without polydactyly (SRTD11). Also called: SHORT-RIB THORACIC DYSPLASIA 11 WITHOUT POLYDACTYLY. Identifiers: Orphanet 474, Orphanet 93271, MedGen C3810200, MONDO:0014287, OMIM 615633.

Submission:

Labcorp Genetics (formerly Invitae), Labcorp
Classification: Pathogenic for Short-rib thoracic dysplasia 11 with or without polydactyly. Last evaluated: 2023-02-23. Review status: criteria provided, single submitter. Criteria: Invitae Variant Classification Sherloc (09022015). Collection method: clinical testing. Allele origin: germline.
Comment: This sequence change creates a premature translational stop signal (p.His391Profs*24) in the WDR34 gene. It is expected to result in an absent or disrupted protein product. Loss-of-function variants in WDR34 are known to be pathogenic (PMID: 24183449, 24183451, 28379358). The frequency data for this variant in the population databases is considered unreliable, as metrics indicate poor data quality at this position in the gnomAD database. For these reasons, this variant has been classified as Pathogenic. This variant has not been reported in the literature in individuals affected with WDR34-related conditions.

Literature cited by the submitters: PubMed 24183449; PubMed 24183451; PubMed 28379358.